The following is an entry in ClinVar:

NM_000186.4(CFH):c.1423T>C (p.Tyr475His)

Gene: CFH (complement factor H; plus strand). Cytogenetic location: 1q31.3.
Variant type: single nucleotide variant.
Coding change: c.1423T>C on transcript NM_000186.4 (MANE Select); coding-DNA position 1423, T replaced by C.
Protein change: p.Tyr475His; replaces tyrosine 475 with histidine.
Molecular consequence: missense variant.
Genome position (GRCh38, 1-based): chr1:196,713,821, T>C. VCF-style: chr1-196713821-T-C. GRCh37 (hg19) VCF-style: chr1-196682951-T-C.
Other names: short protein forms Y475H.
Identifiers: ClinVar variation 4291392 (VCV004291392.1).

ClinVar aggregate classification (germline): Uncertain significance (1 of 4 stars; one submission).

Conditions:
Atypical hemolytic-uremic syndrome. Identifiers: Orphanet 2134, MedGen C2931788, MONDO:0016244.

Submission:

Genomenon, Inc
Classification: Uncertain significance for Atypical hemolytic-uremic syndrome. Last evaluated: 2025-10-02. Review status: criteria provided, single submitter. Criteria: Genomenon Sequence Variant Interpretation Standards - Updated. Collection method: curation. Allele origin: germline. Affected: yes.
Comment: CFH p.Tyr475His (c.1423T>C) is a missense variant that changes the amino acid at residue 475 from Tyrosine to Histidine. This variant has been observed in at least one proband affected with atypical hemolytic-uremic syndrome (PMID:28821363). It is absent or not present at a significant frequency in gnomAD. In conclusion, we classify CFH p.Tyr475His (c.1423T>C) as a variant of uncertain significance.

Literature cited by the submitters: PubMed 28821363.